The following is an entry in ClinVar:

NM_005198.5(CHKB):c.216C>G (p.Tyr72Ter)

Genes: CHKB (choline kinase beta; minus strand), CHKB-CPT1B (CHKB-CPT1B readthrough (NMD candidate); minus strand). Cytogenetic location: 22q13.33.
Variant type: single nucleotide variant.
Coding change: c.216C>G on transcript NM_005198.5 (MANE Select); coding-DNA position 216, C replaced by G.
Protein change: p.Tyr72Ter; replaces tyrosine 72 with a stop codon.
Molecular consequence: nonsense. On other transcripts: non-coding transcript variant (1).
Genome position (GRCh38, 1-based): chr22:50,582,566, G>C on the plus strand (C>G on the coding strand, the complement: CHKB is on the minus strand). VCF-style: chr22-50582566-G-C. GRCh37 (hg19) VCF-style: chr22-51020995-G-C.
Other names: short protein forms Y72*.
Identifiers: ClinVar variation 1072448 (VCV001072448.8), dbSNP rs80067609, ClinGen allele CA412202963.

ClinVar aggregate classification (germline): Pathogenic (1 of 4 stars; one submission).

Conditions:
Megaconial type congenital muscular dystrophy (MDCMC). Also called: CHKB-Related Muscular Dystrophy; MUSCULAR DYSTROPHY, CONGENITAL, WITH MITOCHONDRIAL STRUCTURAL ABNORMALITIES; CHKB-Related Muscle Diseases. Identifiers: Orphanet 280671, MedGen C1865233, MONDO:0011246, OMIM 602541.

gnomAD v4.1: 2 of 1,609,034 alleles (0.00012%); highest among the groups gnomAD compares: Non-Finnish European, 0.00017%; no homozygotes.

Submission:

Labcorp Genetics (formerly Invitae), Labcorp
Classification: Pathogenic for Megaconial type congenital muscular dystrophy. Last evaluated: 2022-07-19. Review status: criteria provided, single submitter. Criteria: Invitae Variant Classification Sherloc (09022015). Collection method: clinical testing. Allele origin: germline.
Comment: For these reasons, this variant has been classified as Pathogenic. ClinVar contains an entry for this variant (Variation ID: 1072448). This variant has not been reported in the literature in individuals affected with CHKB-related conditions. This variant is not present in population databases (gnomAD no frequency). This sequence change creates a premature translational stop signal (p.Tyr72*) in the CHKB gene. It is expected to result in an absent or disrupted protein product. Loss-of-function variants in CHKB are known to be pathogenic (PMID: 21665002).

Literature cited by the submitters: PubMed 21665002.